The following is an entry in ClinVar:

ClinVar aggregate classification (germline): Uncertain significance (1 of 4 stars; one submission).

Conditions:
Ullrich congenital muscular dystrophy 2 (UCMD2). Identifiers: Orphanet 75840, MedGen C4225314, MONDO:0014654, OMIM 616470.
Bethlem myopathy 2 (BTHLM2). Identifiers: Orphanet 536516, Orphanet 610, MedGen C4225313, MONDO:0034022, OMIM 616471.

Allele frequency attached by ClinVar (database versions not stated): gnomAD 0.00001; TOPMed 0.00002.
gnomAD v4.1: 5 of 1,602,420 alleles (0.00031%); highest among the groups gnomAD compares: Middle Eastern, 0.033%; no homozygotes.

Submission:

Labcorp Genetics (formerly Invitae), Labcorp
Classification: Uncertain significance for Bethlem myopathy 2; Ullrich congenital muscular dystrophy 2. Last evaluated: 2025-12-24. Review status: criteria provided, single submitter. Criteria: Invitae Variant Classification Sherloc (09022015). Collection method: clinical testing. Allele origin: germline.
Comment: This sequence change affects codon 1841 of the COL12A1 mRNA. It is a 'silent' change, meaning that it does not change the encoded amino acid sequence of the COL12A1 protein. It affects a nucleotide within the consensus splice site. This variant is present in population databases (no rsID available, gnomAD no frequency). This variant has not been reported in the literature in individuals affected with COL12A1-related conditions. ClinVar contains an entry for this variant (Variation ID: 2926329). Algorithms developed to predict the effect of sequence changes on RNA splicing suggest that this variant is not likely to affect RNA splicing. In summary, the available evidence is currently insufficient to determine the role of this variant in disease. Therefore, it has been classified as a Variant of Uncertain Significance.

NM_004370.6(COL12A1):c.5523C>A (p.Thr1841=)

Gene: COL12A1 (collagen type XII alpha 1 chain; minus strand). Cytogenetic location: 6q13.
Variant type: single nucleotide variant.
Coding change: c.5523C>A on transcript NM_004370.6 (MANE Select); coding-DNA position 5523, C replaced by A.
Protein change: p.Thr1841=; no amino-acid change (threonine 1841 retained).
Molecular consequence: synonymous variant.
Genome position (GRCh38, 1-based): chr6:75,134,727, G>T on the plus strand (C>A on the coding strand, the complement: COL12A1 is on the minus strand). VCF-style: chr6-75134727-G-T. GRCh37 (hg19) VCF-style: chr6-75844443-G-T.
Other names: c.5523C>A, p.Thr1841= (NM_001424113.1); c.5502C>A, p.Thr1834= (NM_001424114.1); c.5250C>A, p.Thr1750= (NM_001424115.1); c.2031C>A, p.Thr677= (NM_001424116.1, NM_080645.3).
Identifiers: ClinVar variation 2926329 (VCV002926329.3), dbSNP rs1239470849, ClinGen allele CA450922139.